The following is an entry in ClinVar:

ClinVar aggregate classification (germline): Pathogenic. Review status: criteria provided, multiple submitters, no conflicts (2 of 4 stars). 9 submissions from 8 submitters: Pathogenic (8). 1 of the submissions does not count toward it. Last evaluated 2025-06-24.

Conditions:
Usher syndrome type 2A. Also called: USHER SYNDROME, TYPE IIA; RETINAL DISEASE IN USHER SYNDROME TYPE IIA, MODIFIER OF. Identifiers: Orphanet 231178, Orphanet 886, MedGen C1848634, MONDO:0010169, OMIM 276901.
Retinitis pigmentosa 39 (RP39). Identifiers: Orphanet 791, MedGen C3151138, MONDO:0013436, OMIM 613809.
Retinitis pigmentosa (RP). Identifiers: Orphanet 791, MedGen C0035334, MeSH D012174, MONDO:0019200, OMIM 268000. Inheritance: Autosomal dominant, autosomal recessive and X linked inheritance.
USH2A-related disorder. Also called: USH2A-related disorders; USH2A-related condition. Identifiers: MedGen CN239332.

Submissions (9):

PreventionGenetics, part of Exact Sciences
Classification: Pathogenic for USH2A-related condition. Last evaluated: 2025-06-24. Review status: criteria provided, single submitter. Criteria: ACMG Guidelines, 2015. Collection method: clinical testing. Allele origin: germline.
Comment: The USH2A c.14977_14978delTT variant is predicted to result in a frameshift and premature protein termination (p.Phe4993Profs*7). This variant has been reported to be pathogenic for USH2A-related phenotypes (see for example: Baux et al. 2014. PubMed ID: 24944099; Karali et al. 2019. PubMed ID: 31877679). This variant is reported in 0.0018% of alleles in individuals of European (Non-Finnish) descent in gnomAD. Frameshift variants in USH2A are expected to be pathogenic. This variant is interpreted as pathogenic.

Natera, Inc.
Classification: Pathogenic for Usher syndrome type 2A. Last evaluated: 2025-06-11. Review status: criteria provided, single submitter. Criteria: Natera Variant Classification Schema (03/2026). Collection method: clinical testing. Allele origin: germline.
Comment: The c.14977_14978delTT variant in USH2A is a frameshift variant predicted to shift the reading frame beginning at codon 4993 and leads to a stop codon 7 codons downstream. This variant is expected to result in nonsense mediated decay, truncation, or a dysfunctional protein product. This variant is rare in the general population with a frequency below the threshold expected for the associated phenotype(s). This variant has been observed in one or more individuals affected with the associated recessive disease, as either homozygous or compound heterozygous with a second variant (PMID: 27460420). Given the available evidence, this variant is classified as Pathogenic.

Genome-Nilou Lab
Classification: Pathogenic for Retinitis pigmentosa 39. Last evaluated: 2023-11-04. Review status: criteria provided, single submitter. Criteria: ACMG Guidelines, 2015. Collection method: clinical testing. Allele origin: germline. Affected: no.

Genome-Nilou Lab
Classification: Pathogenic for Usher syndrome type 2A. Last evaluated: 2023-11-04. Review status: criteria provided, single submitter. Criteria: ACMG Guidelines, 2015. Collection method: clinical testing. Allele origin: germline. Affected: no.

Labcorp Genetics (formerly Invitae), Labcorp
Classification: Pathogenic. Last evaluated: 2023-10-14. Review status: criteria provided, single submitter. Criteria: Invitae Variant Classification Sherloc (09022015). Collection method: clinical testing. Allele origin: germline.
Comment: This sequence change creates a premature translational stop signal (p.Phe4993Profs*7) in the USH2A gene. It is expected to result in an absent or disrupted protein product. Loss-of-function variants in USH2A are known to be pathogenic (PMID: 10729113, 10909849, 20507924, 25649381). This variant is present in population databases (rs747160949, gnomAD 0.002%). This premature translational stop signal has been observed in individuals with Usher syndrome (PMID: 27460420, 28127548). ClinVar contains an entry for this variant (Variation ID: 555201). Algorithms developed to predict the effect of sequence changes on RNA splicing suggest that this variant may disrupt the consensus splice site. For these reasons, this variant has been classified as Pathogenic.

Baylor Genetics
Classification: Pathogenic for Retinitis pigmentosa 39. Last evaluated: 2023-02-06. Review status: criteria provided, single submitter. Criteria: ACMG Guidelines, 2015. Collection method: clinical testing. Allele origin: unknown.

Blueprint Genetics
Classification: Pathogenic for USH2A-related disorders. Last evaluated: 2021-08-13. Review status: criteria provided, single submitter. Criteria: ACMG Guidelines, 2015. Collection method: clinical testing. Allele origin: germline. Affected: yes. Observed: 5 variant alleles.

Broad Center for Mendelian Genomics, Broad Institute of MIT and Harvard
Classification: Pathogenic for Retinitis pigmentosa. Last evaluated: 2021-04-01. Review status: criteria provided, single submitter. Criteria: ACMG Guidelines, 2015. Collection method: curation. Allele origin: germline. Inheritance: Autosomal recessive inheritance. Affected: yes.
Comment: Through a review of available evidence we were able to apply the following criteria: PVS1, PM2, PM3-P. Based on this evidence we have classified this variant as Pathogenic. If you have any questions about the classification please reach out to the Pierce Lab.

Counsyl
Classification: Pathogenic for Usher syndrome type 2A; Retinitis pigmentosa 39. Last evaluated: 2017-11-29. Review status: no assertion criteria provided. Collection method: clinical testing. Allele origin: unknown. Not counted in ClinVar's aggregate classification.

Literature cited by the submitters: PubMed 27460420 (cited by 3 submitters); PubMed 10729113 (cited by Labcorp Genetics (formerly Invitae), Labcorp); PubMed 10909849 (cited by Labcorp Genetics (formerly Invitae), Labcorp); PubMed 20507924 (cited by Labcorp Genetics (formerly Invitae), Labcorp); PubMed 25649381 (cited by Labcorp Genetics (formerly Invitae), Labcorp); PubMed 28127548 (cited by Labcorp Genetics (formerly Invitae), Labcorp); PubMed 34906470 (cited by Broad Center for Mendelian Genomics, Broad Institute of MIT and Harvard); PubMed 24944099 (cited by Broad Center for Mendelian Genomics, Broad Institute of MIT and Harvard).

NM_206933.4(USH2A):c.14977_14978del (p.Phe4993fs)

Gene: USH2A (usherin; minus strand). Cytogenetic location: 1q41.
Variant type: Deletion.
Coding change: c.14977_14978del on transcript NM_206933.4 (MANE Select); coding-DNA positions 14977 to 14978, 2 bases deleted (TT; older notation c.14977_14978delTT).
Protein change: p.Phe4993fs; shifts the reading frame from phenylalanine 4993.
Molecular consequence: frameshift variant.
Genome position (GRCh38, 1-based): chr1:215,639,229-215,639,230, AA deleted on the plus strand (TT on the coding strand, the reverse complement: USH2A is on the minus strand); deleting any 2 consecutive bases within chr1:215,639,229-215,639,233 gives the same sequence; the c. name uses the placement nearest the transcript's 3' end. VCF-style (leftmost placement, unchanged base first): chr1-215639228-GAA-G. GRCh37 (hg19) VCF-style: chr1-215812570-GAA-G.
Other names: c.14977_14978del (NM_206933.2); short protein forms F4993fs.
Identifiers: ClinVar variation 555201 (VCV000555201.18), dbSNP rs747160949, ClinGen allele CA1392841.
Genomic context (GRCh38, chr1:215,639,228, plus strand): 5'-GGTATCATATTGGATCAACGGCGTCTTAACACTTCCTTCGTCAGTCGTGCAGATGACCTG[GAA>G]AAAGAAGGCTAGACAAAAGGAAGAACTGGTAAATGACTTGTTCATTCAACACCTACAAAT-3'